The following is an entry in ClinVar:

NM_000276.4(OCRL):c.1490G>A (p.Trp497Ter)

Gene: OCRL (OCRL inositol polyphosphate-5-phosphatase; plus strand). Cytogenetic location: Xq26.1.
Variant type: single nucleotide variant.
Coding change: c.1490G>A on transcript NM_000276.4 (MANE Select); coding-DNA position 1490, G replaced by A.
Protein change: p.Trp497Ter; replaces tryptophan 497 with a stop codon.
Molecular consequence: nonsense.
Genome position (GRCh38, 1-based): chrX:129,569,287, G>A. VCF-style: chrX-129569287-G-A. GRCh37 (hg19) VCF-style: chrX-128703264-G-A.
Other names: p.Trp497Ter; c.1493G>A, p.Trp498Ter (NM_001318784.2); c.1490G>A, p.Trp497Ter (NM_001587.4); short protein forms W497*, W498*.
Identifiers: ClinVar variation 3255506 (VCV003255506.2), dbSNP rs2521906131.

ClinVar aggregate classification (germline): Likely pathogenic (1 of 4 stars; one submission).

Conditions:
Lowe syndrome (OCRL). Also called: LOWE OCULOCEREBRORENAL SYNDROME; PHOSPHATIDYLINOSITOL 4,5-BISPHOSPHATE 5-PHOSPHATASE DEFICIENCY; Oculocerebrorenal Syndrome. Identifiers: Orphanet 534, MedGen C0028860, MONDO:0010645, OMIM 309000.

Submission:

Foundation for Research in Genetics and Endocrinology, FRIGE's Institute of Human Genetics
Classification: Likely pathogenic for Lowe syndrome. Last evaluated: 2024-07-17. Review status: criteria provided, single submitter. Criteria: ACMG Guidelines, 2015. Collection method: clinical testing. Allele origin: germline. Inheritance: X-linked recessive inheritance. Affected: yes. Observed: 1 hemizygote.
Comment: A hemizygous nonsense variant in exon 15 of the OCRL gene that results in a stop codon and premature truncation of the protein at codon 497 was detected. The variant has not been reported in the 1000 genomes, gnomAD (v3.1), gnomAD (v2.1), topmed and databases. The in silico prediction of the variant is damaging by MutationTaster2. The reference codon is conserved across species. In summary, the variant meets our criteria to be classified as likley pathogenic.